The following is an entry in ClinVar:

ClinVar aggregate classification (germline): Pathogenic (1 of 4 stars; one submission).

Conditions:
Polycystic kidney disease, adult type (PKD1). Also called: POLYCYSTIC KIDNEY DISEASE 1 WITH OR WITHOUT POLYCYSTIC LIVER DISEASE; POLYCYSTIC KIDNEY DISEASE, ADULT, TYPE I; Polycystic Kidney Disease 1, Autosomal Dominant; Polycystic kidney disease 1; Polycystic kidney disease 1, severe; Polycystic Kidney, Autosomal Dominant. Identifiers: MedGen C3149841, MONDO:0008263, OMIM 173900.

Submission:

Women's Health and Genetics/Laboratory Corporation of America, LabCorp
Classification: Pathogenic for Polycystic kidney disease, adult type. Last evaluated: 2026-06-03. Review status: criteria provided, single submitter. Criteria: LabCorp Variant Classification Summary - May 2015. Collection method: clinical testing. Allele origin: germline.
Comment: Variant summary: PKD1 c.2687dupT (p.Val897GlyfsX8) results in a premature termination codon, predicted to cause a truncation of the encoded protein or absence of the protein due to nonsense mediated decay, which are commonly known mechanisms for disease. The variant was absent in 247894 control chromosomes. c.2687dupT has been observed in individual(s) affected with PKD1-related conditions (e.g. Rossetti_2007). To our knowledge, no experimental evidence demonstrating an impact on protein function has been reported. The following publication has been ascertained in the context of this evaluation (PMID: 17582161). No submitters have cited clinical-significance assessments for this variant to ClinVar. Based on the evidence outlined above, the variant was classified as pathogenic.

Literature cited by the submitters: PubMed 17582161.

NM_001009944.3(PKD1):c.2687dup (p.Val897fs)

Gene: PKD1 (polycystin 1, transient receptor potential channel interacting; minus strand). Cytogenetic location: 16p13.3.
Variant type: Duplication.
Coding change: c.2687dup on transcript NM_001009944.3 (MANE Select); coding-DNA position 2687, one base duplicated (T; older notation c.2687dupT).
Protein change: p.Val897fs; shifts the reading frame from valine 897.
Molecular consequence: frameshift variant.
Genome position (GRCh38, 1-based): chr16:2,114,336, A duplicated on the plus strand (T on the coding strand, the reverse complement: PKD1 is on the minus strand). VCF-style (leftmost placement, unchanged base first): chr16-2114335-C-CA. GRCh37 (hg19) VCF-style: chr16-2164336-C-CA.
Other names: c.2687dup, p.Val897fs (NM_000296.4); c.2687dupT (NM_001009944.3); short protein forms V897fs.
Identifiers: ClinVar variation 4887549 (VCV004887549.1).
Genomic context (GRCh38, chr16:2,114,335, plus strand): 5'-GCTGTTTTCCACCACCACGTCCACCACGTGCTCCCCCTCACTGAGCCACGGCAGTGCTAC[C>CA]ACTGAGAACAGGGTATCGTTGGTCTCCCAGGGGCAGCCGGGCACGAAGGTGGCCACCAGG-3'